The following is an entry in ClinVar:

NM_020911.2(PLXNA4):c.925C>T (p.Leu309=)

Gene: PLXNA4 (plexin A4; minus strand). Cytogenetic location: 7q32.3.
Variant type: single nucleotide variant.
Coding change: c.925C>T on transcript NM_020911.2 (MANE Select); coding-DNA position 925, C replaced by T.
Protein change: p.Leu309=; no amino-acid change (leucine 309 retained).
Molecular consequence: synonymous variant.
Genome position (GRCh38, 1-based): chr7:132,507,769, G>A on the plus strand (C>T on the coding strand, the complement: PLXNA4 is on the minus strand). VCF-style: chr7-132507769-G-A. GRCh37 (hg19) VCF-style: chr7-132192528-G-A.
Other names: c.925C>T, p.Leu309= (NM_001105543.2, NM_001393897.1, NM_181775.4).
Identifiers: ClinVar variation 3031098 (VCV003031098.2), dbSNP rs775731905, ClinGen allele CA4490417.

ClinVar aggregate classification (germline): Likely benign (0 of 4 stars; one submission).

Conditions:
PLXNA4-related disorder. Also called: PLXNA4-related condition.

Allele frequency attached by ClinVar (database versions not stated): gnomAD exomes below 0.00001; ExAC 0.00002.
gnomAD v4.1: 6 of 1,614,128 alleles (0.00037%); highest among the groups gnomAD compares: Non-Finnish European, 0.00042%; no homozygotes.

Submission:

PreventionGenetics, part of Exact Sciences
Classification: Likely benign for PLXNA4-related condition. Last evaluated: 2023-10-17. Review status: no assertion criteria provided. Collection method: clinical testing. Allele origin: germline.
Comment: This variant is classified as likely benign based on ACMG/AMP sequence variant interpretation guidelines (Richards et al. 2015 PMID: 25741868, with internal and published modifications).